The following is an entry in ClinVar:

ClinVar aggregate classification (germline): Uncertain significance. Review status: criteria provided, multiple submitters, no conflicts (2 of 4 stars). 5 submissions from 5 submitters: Uncertain significance (4). 1 of the submissions does not count toward it. Last evaluated 2026-09-30.

Conditions:
Cutis laxa, autosomal dominant 3 (ADCL3). Identifiers: Orphanet 90348, MedGen C4225268, MONDO:0014706, OMIM 616603.
de Barsy syndrome. Also called: Cutis laxa-corneal clouding-oligophrenia syndrome. Identifiers: Orphanet 2962, MedGen C0268354, MONDO:0017569.
Autosomal dominant spastic paraplegia type 9. Identifiers: MedGen C1832669, MONDO:0015091.

Allele frequency attached by ClinVar (database versions not stated): TOPMed 0.00002; gnomAD exomes 0.00002; ExAC 0.00002; gnomAD 0.00002; ESP Exome Variant Server 0.00008.
gnomAD v4.1: 37 of 1,614,084 alleles (0.0023%); highest among the groups gnomAD compares: Non-Finnish European, 0.0028%; no homozygotes.

Submissions (5):

GeneDx
Classification: Uncertain significance. Last evaluated: 2026-09-30. Review status: criteria provided, single submitter. Criteria: GeneDx Variant Classification Process June 2021. Collection method: clinical testing. Allele origin: germline.
Comment: Has not been previously published as pathogenic or benign to our knowledge; In silico analysis suggests that this missense variant does not alter protein structure/function

Mayo Clinic Laboratories, Mayo Clinic
Classification: Uncertain significance. Last evaluated: 2025-06-04. Review status: criteria provided, single submitter. Criteria: ACMG Guidelines, 2015. Collection method: clinical testing. Allele origin: germline. Observed: 1 variant allele.

Labcorp Genetics (formerly Invitae), Labcorp
Classification: Uncertain significance for Autosomal dominant spastic paraplegia type 9; de Barsy syndrome; Cutis laxa, autosomal dominant 3. Last evaluated: 2025-01-21. Review status: criteria provided, single submitter. Criteria: Invitae Variant Classification Sherloc (09022015). Collection method: clinical testing. Allele origin: germline.
Comment: This sequence change replaces valine, which is neutral and non-polar, with methionine, which is neutral and non-polar, at codon 770 of the ALDH18A1 protein (p.Val770Met). This variant is present in population databases (rs369153920, gnomAD 0.004%). This variant has not been reported in the literature in individuals affected with ALDH18A1-related conditions. ClinVar contains an entry for this variant (Variation ID: 1048920). Invitae Evidence Modeling of protein sequence and biophysical properties (such as structural, functional, and spatial information, amino acid conservation, physicochemical variation, residue mobility, and thermodynamic stability) indicates that this missense variant is not expected to disrupt ALDH18A1 protein function with a negative predictive value of 80%. In summary, the available evidence is currently insufficient to determine the role of this variant in disease. Therefore, it has been classified as a Variant of Uncertain Significance.

Blueprint Genetics
Classification: Uncertain significance. Last evaluated: 2024-09-02. Review status: criteria provided, single submitter. Criteria: ACMG Guidelines, 2015. Collection method: clinical testing. Allele origin: germline.

Department of Pathology and Laboratory Medicine, Sinai Health System
Classification: Uncertain significance. Review status: no assertion criteria provided. Collection method: clinical testing. Allele origin: unknown. Affected: yes. Study: The Canadian Open Genetics Repository (COGR). Not counted in ClinVar's aggregate classification.
Comment: The ALDH18A1 p.Val768Met variant was not identified in the literature nor was it identified in ClinVar, Cosmic or LOVD 3.0. The variant was identified in dbSNP (ID: rs369153920) and in control databases in 5 of 282670 chromosomes at a frequency of 0.000018 (Genome Aggregation Database Feb 27, 2017). The variant was observed in the following populations: European (non-Finnish) in 4 of 129002 chromosomes (freq: 0.000031) and Latino in 1 of 35436 chromosomes (freq: 0.000028); it was not observed in the African, Ashkenazi Jewish, East Asian, European (Finnish), Other or South Asian populations. The p.Val768 residue is conserved in mammals and computational analyses (PolyPhen-2, SIFT, AlignGVGD, BLOSUM, MutationTaster) provide inconsistent predictions regarding the impact to the protein; this information is not very predictive of pathogenicity. The variant occurs outside of the splicing consensus sequence and in silico or computational prediction software programs (SpliceSiteFinder, MaxEntScan, NNSPLICE, GeneSplicer) do not predict a difference in splicing. In summary, based on the above information the clinical significance of this variant cannot be determined with certainty at this time. This variant is classified as a variant of uncertain significance.

NM_002860.4(ALDH18A1):c.2308G>A (p.Val770Met)

Gene: ALDH18A1 (aldehyde dehydrogenase 18 family member A1; minus strand). Cytogenetic location: 10q24.1.
Variant type: single nucleotide variant.
Coding change: c.2308G>A on transcript NM_002860.4 (MANE Select); coding-DNA position 2308, G replaced by A.
Protein change: p.Val770Met; replaces valine 770 with methionine.
Molecular consequence: missense variant.
Genome position (GRCh38, 1-based): chr10:95,606,842, C>T on the plus strand (G>A on the coding strand, the complement: ALDH18A1 is on the minus strand). VCF-style: chr10-95606842-C-T. GRCh37 (hg19) VCF-style: chr10-97366599-C-T.
Other names: p.Val770Met; c.1975G>A, p.Val659Met (NM_001323412.2, NM_001323416.2); c.2308G>A, p.Val770Met (NM_001323413.2, NM_001323414.2); c.2302G>A, p.Val768Met (NM_001323415.2, NM_001017423.2); c.2203G>A, p.Val735Met (NM_001323417.2); c.1969G>A, p.Val657Met (NM_001323418.2); c.1672G>A, p.Val558Met (NM_001323419.2); c.2308G>A (NM_002860.3); short protein forms V558M, V657M, V659M, V735M, V768M, V770M.
Identifiers: ClinVar variation 1048920 (VCV001048920.11), dbSNP rs369153920, ClinGen allele CA5620088.
Genomic context (GRCh38, chr10:95,606,842, plus strand): 5'-GAATAGGGAGGTTCTCATGAAGATATTTTAAACTTCCATGCTCTGAGAAATCTGAGACCA[C>T]GTGGTCCTTCCCTCGCAGCAGCCACTTAGTAGTAAGCAGTCCCTCAAGTCCTACTGGTCC-3'
Protein context (NP_002851.2, residues 760-780): TKWLLRGKDH[Val770Met]VSDFSEHGSL